The following is an entry in ClinVar:

ClinVar aggregate classification (germline): Uncertain significance. Review status: criteria provided, multiple submitters, no conflicts (2 of 4 stars). 3 submissions from 3 submitters: Uncertain significance (3). Last evaluated 2025-10-22.

Conditions:
Inborn genetic diseases. Identifiers: MedGen C0950123, MeSH D030342.
Glycogen storage disease, type V (GSD5). Also called: MCARDLE DISEASE; MUSCLE GLYCOGEN PHOSPHORYLASE DEFICIENCY; MYOPHOSPHORYLASE DEFICIENCY; PYGM DEFICIENCY; McArdle type glycogen storage disease. Identifiers: Orphanet 368, MedGen C0017924, MONDO:0009293, OMIM 232600.

Allele frequency attached by ClinVar (database versions not stated): gnomAD 0.00001.
gnomAD v4.1: 4 of 1,613,830 alleles (0.00025%); highest among the groups gnomAD compares: Middle Eastern, 0.016%; no homozygotes.

Submissions (3):

Mayo Clinic Laboratories, Mayo Clinic
Classification: Uncertain significance. Last evaluated: 2025-10-22. Review status: criteria provided, single submitter. Criteria: ACMG Guidelines, 2015. Collection method: clinical testing. Allele origin: germline. Observed: 1 variant allele.
Comment: PP3_strong, PM2_supporting

Ambry Genetics
Classification: Uncertain significance for Inborn genetic diseases. Last evaluated: 2025-06-09. Review status: criteria provided, single submitter. Criteria: Ambry Variant Classification Scheme 2023. Collection method: clinical testing. Allele origin: germline.

Labcorp Genetics (formerly Invitae), Labcorp
Classification: Uncertain significance for Glycogen storage disease, type V. Last evaluated: 2022-07-04. Review status: criteria provided, single submitter. Criteria: Invitae Variant Classification Sherloc (09022015). Collection method: clinical testing. Allele origin: germline.
Comment: This sequence change replaces isoleucine, which is neutral and non-polar, with threonine, which is neutral and polar, at codon 606 of the PYGM protein (p.Ile606Thr). This variant is present in population databases (no rsID available, gnomAD 0.0009%). This variant has not been reported in the literature in individuals affected with PYGM-related conditions. Algorithms developed to predict the effect of missense changes on protein structure and function are either unavailable or do not agree on the potential impact of this missense change (SIFT: "Not Available"; PolyPhen-2: "Probably Damaging"; Align-GVGD: "Not Available"). In summary, the available evidence is currently insufficient to determine the role of this variant in disease. Therefore, it has been classified as a Variant of Uncertain Significance.

NM_005609.4(PYGM):c.1817T>C (p.Ile606Thr)

Gene: PYGM (glycogen phosphorylase, muscle associated; minus strand). Cytogenetic location: 11q13.1.
Variant type: single nucleotide variant.
Coding change: c.1817T>C on transcript NM_005609.4 (MANE Select); coding-DNA position 1817, T replaced by C.
Protein change: p.Ile606Thr; replaces isoleucine 606 with threonine.
Molecular consequence: missense variant.
Genome position (GRCh38, 1-based): chr11:64,751,607, A>G on the plus strand (T>C on the coding strand, the complement: PYGM is on the minus strand). VCF-style: chr11-64751607-A-G. GRCh37 (hg19) VCF-style: chr11-64519079-A-G.
Other names: p.Ile606Thr; c.1817T>C (NM_005609.2); c.1553T>C, p.Ile518Thr (NM_001164716.1); short protein forms I606T, I518T.
Identifiers: ClinVar variation 2176674 (VCV002176674.4), dbSNP rs1254930380, ClinGen allele CA381169746.